The following is an entry in ClinVar:

NM_001754.5(RUNX1):c.97G>T (p.Asp33Tyr)

Gene: RUNX1 (RUNX family transcription factor 1; minus strand). Cytogenetic location: 21q22.12.
Variant type: single nucleotide variant.
Coding change: c.97G>T on transcript NM_001754.5 (MANE Select); coding-DNA position 97, G replaced by T.
Protein change: p.Asp33Tyr; replaces aspartic acid 33 with tyrosine.
Molecular consequence: missense variant.
Genome position (GRCh38, 1-based): chr21:34,892,925, C>A on the plus strand (G>T on the coding strand, the complement: RUNX1 is on the minus strand). VCF-style: chr21-34892925-C-A. GRCh37 (hg19) VCF-style: chr21-36265222-C-A.
Other names: NM_001754.5(RUNX1):c.97G>T; p.Asp33Tyr; short protein forms D33Y.
Identifiers: ClinVar variation 934627 (VCV000934627.11), dbSNP rs781761402, ClinGen allele CA410205635.
Genomic context (GRCh38, chr21:34,892,925, plus strand): 5'-ATATACACATCTATGAAGGTGTGTACTTTATTTAAAAATATAACTTGGAATTTAACATAC[C>A]GTGGACGTCTCTAGAAGGATTCATTCCAAGTATGCATTCTGAAATAACAGAAAGTAGGAA-3'
Protein context (NP_001745.2, residues 23-43): LGMNPSRDVH[Asp33Tyr]ASTSRRFTPP

ClinVar aggregate classification (germline): Uncertain significance. Review status: reviewed by expert panel (3 of 4 stars). 3 submissions from 3 submitters: Uncertain significance (1). 2 of the submissions do not count toward it. Last evaluated 2024-10-29.

Conditions:
Inborn genetic diseases. Identifiers: MedGen C0950123, MeSH D030342.
Hereditary thrombocytopenia and hematologic cancer predisposition syndrome. Identifiers: Orphanet 71290, MedGen CN281654, MONDO:0011071.
Hereditary thrombocytopenia and hematological cancer predisposition syndrome associated with RUNX1. Also called: PLATELET DISORDER, ASPIRIN-LIKE; Familial Platelet Disorder with Propensity to Acute Myelogenous Leukemia; Familial thrombocytopenia with propensity to acute myelogenous leukemia; RUNX1 Familial Platelet Disorder with Associated Myeloid Malignancies. Identifiers: Orphanet 71290, MedGen C1832388, MeSH C563324, MONDO:0100083, OMIM 601399.

Submissions (3):

ClinGen Myeloid Malignancy Variant Curation Expert Panel
Classification: Uncertain significance for Hereditary thrombocytopenia and hematologic cancer predisposition syndrome. Last evaluated: 2024-10-29. Review status: reviewed by expert panel. Criteria: ClinGen MyeloMalig ACMG Specifications v2. Collection method: curation. Allele origin: germline. Inheritance: Autosomal dominant inheritance.
Comment: NM_001754.5(RUNX1):c.97G>T (p.Asp33Tyr) is a missense variant which has a SpliceAI score ≥ 0.38 (Donor Loss = 0.90) and is predicted to impact splicing (PP3). This variant is completely absent from all population databases with at least 20x coverage for RUNX1 (PM2_Supporting). In summary, the clinical significance of this variant is uncertain. ACMG/AMP criteria applied, as specified by the Myeloid Malignancy Variant Curation Expert Panel for RUNX1: PP3, PM2_supporting.

Ambry Genetics
Classification: Uncertain significance for Inborn genetic diseases. Last evaluated: 2024-12-23. Review status: criteria provided, single submitter. Criteria: Ambry Variant Classification Scheme 2023. Collection method: clinical testing. Allele origin: germline. Not counted in ClinVar's aggregate classification.
Comment: The c.97G>T variant (also known as p.D33Y), located in coding exon 2 of the RUNX1 gene, results from a G to T substitution at nucleotide position 97. The amino acid change results in aspartic acid to tyrosine at codon 33, an amino acid with highly dissimilar properties. However, this change occurs in the last base pair of coding exon 2, which makes it likely to have some effect on normal mRNA splicing. This nucleotide position is well conserved in available vertebrate species. This amino acid position is not well conserved in available vertebrate species. In silico splice site analysis predicts that this alteration will weaken the native splice donor site. RNA studies have demonstrated that this alteration results in a splice defect involving exons excluded from naturally occurring transcripts; the clinical impact of this abnormal splicing is unknown at this time (Ambry internal data). In addition, as a missense, the in silico prediction for this alteration is inconclusive. Based on the available evidence, the clinical significance of this variant remains unclear.

Labcorp Genetics (formerly Invitae), Labcorp
Classification: Uncertain significance for Hereditary thrombocytopenia and hematological cancer predisposition syndrome associated with RUNX1. Last evaluated: 2019-10-10. Review status: criteria provided, single submitter. Criteria: Invitae Variant Classification Sherloc (09022015). Collection method: clinical testing. Allele origin: germline. Not counted in ClinVar's aggregate classification.
Comment: Nucleotide substitutions within the consensus splice site are a relatively common cause of aberrant splicing (PMID: 17576681, 9536098). Algorithms developed to predict the effect of sequence changes on RNA splicing suggest that this variant may disrupt the consensus splice site, but this prediction has not been confirmed by published transcriptional studies. In summary, the available evidence is currently insufficient to determine the role of this variant in disease. Therefore, it has been classified as a Variant of Uncertain Significance. Algorithms developed to predict the effect of missense changes on protein structure and function are either unavailable or do not agree on the potential impact of this missense change (SIFT: "Tolerated"; PolyPhen-2: "Probably Damaging"; Align-GVGD: "Class C0"). This variant has not been reported in the literature in individuals with RUNX1-related conditions. This variant is not present in population databases (ExAC no frequency). This sequence change replaces aspartic acid with tyrosine at codon 33 of the RUNX1 protein (p.Asp33Tyr). The aspartic acid residue is moderately conserved and there is a large physicochemical difference between aspartic acid and tyrosine. This variant also falls at the last nucleotide of exon 3 of the RUNX1 coding sequence, which is part of the consensus splice site for this exon.

Literature cited by the submitters: PubMed 17576681 (cited by Labcorp Genetics (formerly Invitae), Labcorp); PubMed 9536098 (cited by Labcorp Genetics (formerly Invitae), Labcorp).